The following is an entry in ClinVar:

NM_004415.4(DSP):c.5978A>G (p.Lys1993Arg)

Gene: DSP (desmoplakin; plus strand). Cytogenetic location: 6p24.3.
Variant type: single nucleotide variant.
Coding change: c.5978A>G on transcript NM_004415.4 (MANE Select); coding-DNA position 5978, A replaced by G.
Protein change: p.Lys1993Arg; replaces lysine 1993 with arginine.
Molecular consequence: missense variant.
Genome position (GRCh38, 1-based): chr6:7,583,240, A>G. VCF-style: chr6-7583240-A-G. GRCh37 (hg19) VCF-style: chr6-7583473-A-G.
Other names: c.4181A>G, p.Lys1394Arg (NM_001008844.3); c.4649A>G, p.Lys1550Arg (NM_001319034.2); c.5978A>G (LRG_423t1); short protein forms K1993R, K1394R, K1550R.
Identifiers: ClinVar variation 570530 (VCV000570530.9), dbSNP rs1561701766, ClinGen allele CA362689828.

ClinVar aggregate classification (germline): Uncertain significance (1 of 4 stars; one submission).

Conditions:
Arrhythmogenic right ventricular dysplasia 8 (ARVD8). Also called: Arrhythmogenic Right Ventricular Dysplasia/Cardiomyopathy 8; ARRHYTHMOGENIC RIGHT VENTRICULAR DYSPLASIA, FAMILIAL, 8; ARRHYTHMOGENIC RIGHT VENTRICULAR CARDIOMYOPATHY 8. Identifiers: MedGen C1843896, MONDO:0011831, OMIM 607450.
Arrhythmogenic cardiomyopathy with wooly hair and keratoderma. Also called: Carvajal syndrome; Dilated cardiomyopathy with woolly hair and keratoderma; Arrhythmogenic cardiomyopathy with woolly hair and keratoderma; PALMOPLANTAR KERATODERMA WITH LEFT VENTRICULAR CARDIOMYOPATHY AND WOOLLY HAIR. Identifiers: Orphanet 65282, MedGen C1854063, MONDO:0011581, OMIM 605676.

Submission:

Labcorp Genetics (formerly Invitae), Labcorp
Classification: Uncertain significance for Arrhythmogenic cardiomyopathy with wooly hair and keratoderma; Arrhythmogenic right ventricular dysplasia 8. Last evaluated: 2023-05-23. Review status: criteria provided, single submitter. Criteria: Invitae Variant Classification Sherloc (09022015). Collection method: clinical testing. Allele origin: germline.
Comment: In summary, the available evidence is currently insufficient to determine the role of this variant in disease. Therefore, it has been classified as a Variant of Uncertain Significance. Algorithms developed to predict the effect of missense changes on protein structure and function output the following: SIFT: "Not Available"; PolyPhen-2: "Benign"; Align-GVGD: "Not Available". The arginine amino acid residue is found in multiple mammalian species, which suggests that this missense change does not adversely affect protein function. ClinVar contains an entry for this variant (Variation ID: 570530). This variant has not been reported in the literature in individuals affected with DSP-related conditions. This variant is not present in population databases (gnomAD no frequency). This sequence change replaces lysine, which is basic and polar, with arginine, which is basic and polar, at codon 1993 of the DSP protein (p.Lys1993Arg).